The following is an entry in ClinVar:

ClinVar aggregate classification (germline): Likely pathogenic. Review status: criteria provided, multiple submitters, no conflicts (2 of 4 stars). 2 submissions from 2 submitters: Likely pathogenic (2). Last evaluated 2026-01-31.

Conditions:
Dilated cardiomyopathy 1G (CMD1G). Identifiers: Orphanet 154, MedGen C1858763, MONDO:0011400, OMIM 604145.
Autosomal recessive limb-girdle muscular dystrophy type 2J (LGMDR10). Also called: Limb-girdle muscular dystrophy, type 2J; MUSCULAR DYSTROPHY, LIMB-GIRDLE, AUTOSOMAL RECESSIVE 10. Identifiers: Orphanet 140922, MedGen C1837342, MONDO:0012127, OMIM 608807.

Submissions (2):

Labcorp Genetics (formerly Invitae), Labcorp
Classification: Likely pathogenic for Dilated cardiomyopathy 1G; Autosomal recessive limb-girdle muscular dystrophy type 2J. Last evaluated: 2026-01-31. Review status: criteria provided, single submitter. Criteria: Invitae Variant Classification Sherloc (09022015). Collection method: clinical testing. Allele origin: germline.
Comment: This sequence change creates a premature translational stop signal (p.Val26952Argfs*6) in the TTN gene. While this is not anticipated to result in nonsense mediated decay, it is expected to create a truncated TTN protein. This variant is not present in population databases (gnomAD no frequency). This variant has not been reported in the literature in individuals affected with TTN-related conditions. ClinVar contains an entry for this variant (Variation ID: 1678098). This variant is located in the A band of TTN (PMID: 25589632). Truncating variants in this region are significantly overrepresented in patients affected with dilated cardiomyopathy (PMID: 25589632). Truncating variants in this region have also been reported in individuals affected with autosomal recessive centronuclear myopathy (PMID: 23975875). In summary, the currently available evidence indicates that the variant is pathogenic, but additional data are needed to prove that conclusively. Therefore, this variant has been classified as Likely Pathogenic.

AiLife Diagnostics
Classification: Likely pathogenic. Last evaluated: 2021-08-06. Review status: criteria provided, single submitter. Criteria: ACMG Guidelines, 2015. Collection method: clinical testing. Allele origin: germline. Affected: yes. Observed: 1 variant allele.

Literature cited by the submitters: PubMed 25589632 (cited by Labcorp Genetics (formerly Invitae), Labcorp); PubMed 23975875 (cited by Labcorp Genetics (formerly Invitae), Labcorp).

NM_001267550.2(TTN):c.80853dup (p.Val26952fs)

Genes: TTN (titin; minus strand), TTN-AS1 (TTN antisense RNA 1; plus strand). Cytogenetic location: 2q31.2.
Variant type: Duplication.
Coding change: c.80853dup on transcript NM_001267550.2 (MANE Select); coding-DNA position 80853, one base duplicated (C; older notation c.80853dupC).
Protein change: p.Val26952fs; shifts the reading frame from valine 26952.
Molecular consequence: frameshift variant.
Genome position (GRCh38, 1-based): chr2:178,565,279, G duplicated on the plus strand (C on the coding strand, the reverse complement: TTN is on the minus strand); the first of 2 consecutive G bases (chr2:178,565,279-178,565,280); duplicating either gives the same sequence. VCF-style (leftmost placement, unchanged base first): chr2-178565278-C-CG. GRCh37 (hg19) VCF-style: chr2-179430005-C-CG.
Other names: c.75930dup, p.Val25311fs (NM_001256850.1); c.53658dup, p.Val17887fs (NM_003319.4); c.73149dup, p.Val24384fs (NM_133378.4); c.54033dup, p.Val18012fs (NM_133432.3); c.54234dup, p.Val18079fs (NM_133437.4); short protein forms V17887fs, V18012fs, V18079fs, V24384fs, V25311fs, V26952fs.
Identifiers: ClinVar variation 1678098 (VCV001678098.3), dbSNP rs2154164489, ClinGen allele CA2573134165.